The following is an entry in ClinVar:

NM_005235.3(ERBB4):c.1712G>C (p.Gly571Ala)

Gene: ERBB4 (erb-b2 receptor tyrosine kinase 4; minus strand). Cytogenetic location: 2q34.
Variant type: single nucleotide variant.
Coding change: c.1712G>C on transcript NM_005235.3 (MANE Select); coding-DNA position 1712, G replaced by C.
Protein change: p.Gly571Ala; replaces glycine 571 with alanine.
Molecular consequence: missense variant.
Genome position (GRCh38, 1-based): chr2:211,673,168, C>G on the plus strand (G>C on the coding strand, the complement: ERBB4 is on the minus strand). VCF-style: chr2-211673168-C-G. GRCh37 (hg19) VCF-style: chr2-212537893-C-G.
Other names: c.1712G>C, p.Gly571Ala (NM_001042599.2); short protein forms G571A.
Identifiers: ClinVar variation 2996583 (VCV002996583.3), dbSNP rs878861872, ClinGen allele CA65172144.

ClinVar aggregate classification (germline): Uncertain significance (1 of 4 stars; one submission).

Allele frequency attached by ClinVar (database versions not stated): TOPMed below 0.00001.
gnomAD v4.1: 10 of 1,609,018 alleles (0.00062%); highest among the groups gnomAD compares: Non-Finnish European, 0.00085%; no homozygotes.

Submission:

Labcorp Genetics (formerly Invitae), Labcorp
Classification: Uncertain significance. Last evaluated: 2023-05-23. Review status: criteria provided, single submitter. Criteria: Invitae Variant Classification Sherloc (09022015). Collection method: clinical testing. Allele origin: germline.
Comment: This variant has not been reported in the literature in individuals affected with ERBB4-related conditions. In summary, the available evidence is currently insufficient to determine the role of this variant in disease. Therefore, it has been classified as a Variant of Uncertain Significance. Advanced modeling of protein sequence and biophysical properties (such as structural, functional, and spatial information, amino acid conservation, physicochemical variation, residue mobility, and thermodynamic stability) performed at Invitae indicates that this missense variant is expected to disrupt ERBB4 protein function. This variant is not present in population databases (gnomAD no frequency). This sequence change replaces glycine, which is neutral and non-polar, with alanine, which is neutral and non-polar, at codon 571 of the ERBB4 protein (p.Gly571Ala).